The following is an entry in ClinVar:

NM_006348.5(COG5):c.811C>T (p.Gln271Ter)

Gene: COG5 (component of oligomeric golgi complex 5; minus strand). Cytogenetic location: 7q22.3.
Variant type: single nucleotide variant.
Coding change: c.811C>T on transcript NM_006348.5 (MANE Select); coding-DNA position 811, C replaced by T.
Protein change: p.Gln271Ter; replaces glutamine 271 with a stop codon.
Molecular consequence: nonsense. On other transcripts: intron variant (2).
Genome position (GRCh38, 1-based): chr7:107,372,619, G>A on the plus strand (C>T on the coding strand, the complement: COG5 is on the minus strand). VCF-style: chr7-107372619-G-A. GRCh37 (hg19) VCF-style: chr7-107013064-G-A.
Other names: c.811C>T, p.Gln271Ter (NM_001161520.2, NM_001379511.1, NM_001379512.1 and 3 more transcripts); c.235-10509C>T (NM_001379516.1); c.539-74273C>T (NM_001379515.1); short protein forms Q271*.
Identifiers: ClinVar variation 1979585 (VCV001979585.4), dbSNP rs746960200, ClinGen allele CA4431101.

ClinVar aggregate classification (germline): Pathogenic (1 of 4 stars; one submission).

Conditions:
COG5-congenital disorder of glycosylation. Also called: CONGENITAL DISORDER OF GLYCOSYLATION, TYPE IIi; CDG IIi; COG5-CDG. Identifiers: Orphanet 263487, MedGen C3150876, MONDO:0013325, OMIM 613612.

Allele frequency attached by ClinVar (database versions not stated): gnomAD exomes below 0.00001; ExAC 0.00001; gnomAD 0.00001.
gnomAD v4.1: 4 of 1,613,492 alleles (0.00025%); highest among the groups gnomAD compares: Admixed American, 0.0017%; no homozygotes.

Submission:

Labcorp Genetics (formerly Invitae), Labcorp
Classification: Pathogenic for COG5-congenital disorder of glycosylation. Last evaluated: 2025-12-23. Review status: criteria provided, single submitter. Criteria: Invitae Variant Classification Sherloc (09022015). Collection method: clinical testing. Allele origin: germline.
Comment: This sequence change creates a premature translational stop signal (p.Gln302*) in the COG5 gene. It is expected to result in an absent or disrupted protein product. Loss-of-function variants in COG5 are known to be pathogenic (PMID: 23228021). This variant is present in population databases (rs746960200, gnomAD 0.003%). This variant has not been reported in the literature in individuals affected with COG5-related conditions. ClinVar contains an entry for this variant (Variation ID: 1979585). For these reasons, this variant has been classified as Pathogenic.

Literature cited by the submitters: PubMed 23228021.